The following is an entry in ClinVar:

ClinVar aggregate classification (germline): Uncertain significance. Review status: criteria provided, multiple submitters, no conflicts (2 of 4 stars). 4 submissions from 4 submitters: Uncertain significance (3). 1 of the submissions does not count toward it. Last evaluated 2024-08-30.

Conditions:
Hereditary cancer-predisposing syndrome. Also called: Neoplastic Syndromes, Hereditary; Hereditary Cancer Syndrome; Tumor predisposition; Hereditary neoplastic syndrome. Identifiers: Orphanet 140162, MedGen C0027672, MeSH D009386, MONDO:0015356.
Ataxia-telangiectasia syndrome (AT). Also called: Ataxia-telangiectasia, complementation group D; AT, COMPLEMENTATION GROUP C; Ataxia-telangiectasia, complementation group E; Cerebello-oculocutaneous telangiectasia; Immunodeficiency with ataxia telangiectasia; ATAXIA-TELANGIECTASIA, COMPLEMENTATION GROUP A. Identifiers: Orphanet 100, MedGen C0004135, MONDO:0008840, OMIM 208900.

Allele frequency attached by ClinVar (database versions not stated): gnomAD exomes below 0.00001.

Submissions (4):

Labcorp Genetics (formerly Invitae), Labcorp
Classification: Uncertain significance for Ataxia-telangiectasia syndrome. Last evaluated: 2024-08-30. Review status: criteria provided, single submitter. Criteria: Invitae Variant Classification Sherloc (09022015). Collection method: clinical testing. Allele origin: germline.
Comment: This sequence change replaces isoleucine, which is neutral and non-polar, with valine, which is neutral and non-polar, at codon 1407 of the ATM protein (p.Ile1407Val). This variant is present in population databases (no rsID available, gnomAD 0.0009%). This variant has not been reported in the literature in individuals affected with ATM-related conditions. ClinVar contains an entry for this variant (Variation ID: 582647). An algorithm developed to predict the effect of missense changes on protein structure and function outputs the following: PolyPhen-2: "Benign". The valine amino acid residue is found in multiple mammalian species, which suggests that this missense change does not adversely affect protein function. In summary, the available evidence is currently insufficient to determine the role of this variant in disease. Therefore, it has been classified as a Variant of Uncertain Significance.

GeneDx
Classification: Uncertain significance. Last evaluated: 2023-06-28. Review status: criteria provided, single submitter. Criteria: GeneDx Variant Classification Process June 2021. Collection method: clinical testing. Allele origin: germline. Affected: yes.
Comment: Not observed at significant frequency in large population cohorts (gnomAD); In silico analysis supports that this missense variant does not alter protein structure/function; Has not been previously published as pathogenic or benign to our knowledge

Ambry Genetics
Classification: Uncertain significance for Hereditary cancer-predisposing syndrome. Last evaluated: 2022-10-31. Review status: criteria provided, single submitter. Criteria: Ambry Variant Classification Scheme 2023. Collection method: clinical testing. Allele origin: germline.
Comment: The p.I1407V variant (also known as c.4219A>G), located in coding exon 27 of the ATM gene, results from an A to G substitution at nucleotide position 4219. The isoleucine at codon 1407 is replaced by valine, an amino acid with highly similar properties. This amino acid position is conserved. In addition, this alteration is predicted to be tolerated by in silico analysis. Since supporting evidence is limited at this time, the clinical significance of this alteration remains unclear.

Natera, Inc.
Classification: Uncertain significance for Ataxia-telangiectasia. Last evaluated: 2021-03-19. Review status: no assertion criteria provided. Collection method: clinical testing. Allele origin: germline. Not counted in ClinVar's aggregate classification.

NM_000051.4(ATM):c.4219A>G (p.Ile1407Val)

Gene: ATM (ATM serine/threonine kinase; plus strand). Cytogenetic location: 11q22.3.
Variant type: single nucleotide variant.
Coding change: c.4219A>G on transcript NM_000051.4 (MANE Select); coding-DNA position 4219, A replaced by G.
Protein change: p.Ile1407Val; replaces isoleucine 1407 with valine.
Molecular consequence: missense variant.
Genome position (GRCh38, 1-based): chr11:108,289,086, A>G. VCF-style: chr11-108289086-A-G. GRCh37 (hg19) VCF-style: chr11-108159813-A-G.
Other names: c.4219A>G, p.Ile1407Val (NM_001351834.2); short protein forms I1407V.
Identifiers: ClinVar variation 582647 (VCV000582647.16), dbSNP rs1382006540, ClinGen allele CA382530566.
Genomic context (GRCh38, chr11:108,289,086, plus strand): 5'-AAAGCAACATTTGCCTATATCAGCAATTGTCATAAAACCAAGTTAAAAAGCATTTTAGAA[A>G]TTCTTTCCAAAAGCCCTGTAAGTATACATGATGAGTTTAATAATAGAACATTCCTTCTTT-3'
Protein context (NP_000042.3, residues 1397-1417): HKTKLKSILE[Ile1407Val]LSKSPDSYQK